The following is an entry in ClinVar:

ClinVar aggregate classification (germline): Conflicting classifications of pathogenicity. Review status: criteria provided, conflicting classifications (1 of 4 stars). 3 submissions from 3 submitters: Pathogenic (1); Likely pathogenic (1); Uncertain significance (1). Last evaluated 2026-08-17.

Conditions:
Intellectual developmental disorder, autosomal dominant 57. Also called: MENTAL RETARDATION, AUTOSOMAL DOMINANT 57; Intellectual disability, autosomal dominant 57. Identifiers: MedGen C4748003, MONDO:0054837, OMIM 618050.
Inborn genetic diseases. Identifiers: MedGen C0950123, MeSH D030342.

Allele frequency attached by ClinVar (database versions not stated): gnomAD exomes below 0.00001.
gnomAD v4.1: 1 of 1,613,106 alleles (0.000062%); highest among the groups gnomAD compares: Non-Finnish European, 0.000085%; no homozygotes.

Submissions (3):

Ambry Genetics
Classification: Likely pathogenic for Inborn genetic diseases. Last evaluated: 2026-08-17. Review status: criteria provided, single submitter. Criteria: Ambry Variant Classification Scheme 2023. Collection method: clinical testing. Allele origin: germline.
Comment: The c.1760T>G (p.I587R) alteration is located in exon 19 (coding exon 18) of the TLK2 gene. This alteration results from a T to G substitution at nucleotide position 1760, causing the isoleucine (I) at amino acid position 587 to be replaced by an arginine (R). This variant was not reported in population-based cohorts in the Genome Aggregation Database (gnomAD). This variant was reported in individual(s) with features consistent with TLK2-related neurodevelopmental disorder; in at least one individual, it was determined to be de novo (external communication). This amino acid position is highly conserved in available vertebrate species. This missense alteration is located in a region that has a low rate of benign missense variation (Lek, 2016; Firth, 2009). This alteration is predicted to be deleterious by in silico analysis. Based on the available evidence, this alteration is classified as likely pathogenic.

GeneDx
Classification: Pathogenic. Last evaluated: 2025-09-10. Review status: criteria provided, single submitter. Criteria: GeneDx Variant Classification Process June 2021. Collection method: clinical testing. Allele origin: germline. Affected: yes.
Comment: Not observed at significant frequency in large population cohorts (gnomAD); In silico analysis supports that this missense variant has a deleterious effect on protein structure/function; This variant is associated with the following publications: (PMID: 35586607)

Illumina Laboratory Services, Illumina
Classification: Uncertain significance for Intellectual developmental disorder, autosomal dominant 57. Last evaluated: 2023-08-09. Review status: criteria provided, single submitter. Criteria: ICSLVariantClassificationCriteria RUGD 01 April 2020. Collection method: clinical testing. Allele origin: unknown.
Comment: The TLK2 c.1760T>G (p.Ile587Arg) missense variant, which is also described as c.1826T>G (p.Ile609Arg), has been reported in a de novo state in one individual described as having TLK2-related syndrome (PMID: 35586607). This variant is not observed in version 2.1.1 or version 3.1.2 of the Genome Aggregation Database. It was also observed in the proband's mother, who is described as unaffected. Based on the available evidence, the c.1760T>G (p.Ile587Arg) variant is classified as a variant of uncertain significance for TLK2 intellectual developmental disorder.

Literature cited by the submitters: PubMed 35586607 (cited by Ambry Genetics).

NM_006852.6(TLK2):c.1760T>G (p.Ile587Arg)

Gene: TLK2 (tousled like kinase 2; plus strand). Cytogenetic location: 17q23.2.
Variant type: single nucleotide variant.
Coding change: c.1760T>G on transcript NM_006852.6 (MANE Select); coding-DNA position 1760, T replaced by G.
Protein change: p.Ile587Arg; replaces isoleucine 587 with arginine.
Molecular consequence: missense variant.
Genome position (GRCh38, 1-based): chr17:62,602,081, T>G. VCF-style: chr17-62602081-T-G. GRCh37 (hg19) VCF-style: chr17-60679442-T-G.
Other names: c.1826T>G, p.Ile609Arg (NM_001284333.3); c.1664T>G, p.Ile555Arg (NM_001284363.1, NM_001375272.1); c.1313T>G, p.Ile438Arg (NM_001330418.3, NM_001375273.1); c.1802T>G, p.Ile601Arg (NM_001375269.1); c.1760T>G, p.Ile587Arg (NM_001375270.1, NM_001375271.1); short protein forms I438R, I555R, I587R, I601R, I609R.
Identifiers: ClinVar variation 1186851 (VCV001186851.9), dbSNP rs2147185286, ClinGen allele CA400512324.
Genomic context (GRCh38, chr17:62,602,081, plus strand): 5'-ATGAAGGTTTTTATTTTTTAGGTAATATTCTTTTAGTAAATGGTACAGCGTGTGGAGAGA[T>G]AAAAATTACAGATTTTGGTCTTTCGAAGATCATGGATGATGATAGCTACAATTCAGTGGA-3'
Protein context (NP_006843.2, residues 577-597): LLVNGTACGE[Ile587Arg]KITDFGLSKI